The following is an entry in ClinVar:

NM_001130987.2(DYSF):c.5318-14T>A

Gene: DYSF (dysferlin; plus strand). Cytogenetic location: 2p13.2.
Variant type: single nucleotide variant.
Coding change: c.5318-14T>A on transcript NM_001130987.2 (MANE Select); 14 bases into the intron before coding-DNA position 5318, T replaced by A.
Molecular consequence: intron variant.
Genome position (GRCh38, 1-based): chr2:71,667,362, T>A. VCF-style: chr2-71667362-T-A. GRCh37 (hg19) VCF-style: chr2-71894492-T-A.
Other names: c.5315-14T>A (NM_001130981.2); c.5252-14T>A (NM_001130980.2); c.5264-14T>A (NM_001130978.2); c.5201-14T>A (NM_003494.4, NM_003494.3); c.5294-14T>A (NM_001130979.2); c.5222-14T>A (NM_001130977.2); c.5159-14T>A (NM_001130976.2); c.5297-14T>A (NM_001130982.2); and 5 more.
Identifiers: ClinVar variation 1596205 (VCV001596205.11), dbSNP rs373692062, ClinGen allele CA1707334.

ClinVar aggregate classification (germline): Likely benign. Review status: criteria provided, single submitter (1 of 4 stars). 2 submissions from 2 submitters: Likely benign (1). 1 of the submissions does not count toward it. Last evaluated 2026-01-27.

Conditions:
Neuromuscular disease caused by qualitative or quantitative defects of dysferlin. Also called: Qualitative or quantitative defects of dysferlin; Dysferlinopathy. Identifiers: Orphanet 207073, MedGen C2931687, MONDO:0016145.
DYSF-related disorder. Also called: DYSF-related condition; DYSF-related disorders.

Allele frequency attached by ClinVar (database versions not stated): ExAC 0.00010; gnomAD exomes 0.00010; 1000 Genomes Project 0.00020; ESP Exome Variant Server 0.00038; gnomAD 0.00041; TOPMed 0.00041; 1000 Genomes Project 30x 0.00047.
gnomAD v4.1: 110 of 1,614,022 alleles (0.0068%); highest among the groups gnomAD compares: African/African-American, 0.12%; no homozygotes.

Submissions (2):

Labcorp Genetics (formerly Invitae), Labcorp
Classification: Likely benign for Neuromuscular disease caused by qualitative or quantitative defects of dysferlin. Last evaluated: 2026-01-27. Review status: criteria provided, single submitter. Criteria: Invitae Variant Classification Sherloc (09022015). Collection method: clinical testing. Allele origin: germline.

PreventionGenetics, part of Exact Sciences
Classification: Likely benign for DYSF-related condition. Last evaluated: 2021-03-03. Review status: no assertion criteria provided. Collection method: clinical testing. Allele origin: germline. Not counted in ClinVar's aggregate classification.
Comment: This variant is classified as likely benign based on ACMG/AMP sequence variant interpretation guidelines (Richards et al. 2015 PMID: 25741868, with internal and published modifications).